The following is an entry in ClinVar:

ClinVar aggregate classification (germline): Uncertain significance (1 of 4 stars; one submission).

Submission:

GeneDx
Classification: Uncertain significance. Last evaluated: 2025-04-27. Review status: criteria provided, single submitter. Criteria: GeneDx Variant Classification Process June 2021. Collection method: clinical testing. Allele origin: germline. Affected: yes.
Comment: Not observed at significant frequency in large population cohorts (gnomAD); In silico analysis indicates that this missense variant does not alter protein structure/function; Has not been previously published as pathogenic or benign to our knowledge

NM_001378477.3(NYX):c.1123C>T (p.Arg375Cys)

Gene: NYX (nyctalopin; plus strand). Cytogenetic location: Xp11.4.
Variant type: single nucleotide variant.
Coding change: c.1123C>T on transcript NM_001378477.3 (MANE Select); coding-DNA position 1123, C replaced by T.
Protein change: p.Arg375Cys; replaces arginine 375 with cysteine.
Molecular consequence: missense variant.
Genome position (GRCh38, 1-based): chrX:41,474,591, C>T. VCF-style: chrX-41474591-C-T. GRCh37 (hg19) VCF-style: chrX-41333844-C-T.
Other names: c.1123C>T, p.Arg375Cys (NM_022567.3); short protein forms R375C.
Identifiers: ClinVar variation 4527544 (VCV004527544.1).